The following is an entry in ClinVar:

NM_021930.6(RINT1):c.715C>A (p.Leu239Ile)

Gene: RINT1 (RAD50 interactor 1; plus strand). Cytogenetic location: 7q22.3.
Variant type: single nucleotide variant.
Coding change: c.715C>A on transcript NM_021930.6 (MANE Select); coding-DNA position 715, C replaced by A.
Protein change: p.Leu239Ile; replaces leucine 239 with isoleucine.
Molecular consequence: missense variant. On other transcripts: 5 prime UTR variant (2), non-coding transcript variant (1), intron variant (1).
Genome position (GRCh38, 1-based): chr7:105,547,209, C>A. VCF-style: chr7-105547209-C-A. GRCh37 (hg19) VCF-style: chr7-105187656-C-A.
Other names: c.481C>A, p.Leu161Ile (NM_001346599.2); c.-305C>A (NM_001346600.2); c.-208C>A (NM_001346601.2); c.-27-2846C>A (NM_001346603.2); short protein forms L161I, L239I.
Identifiers: ClinVar variation 3433568 (VCV003433568.1).

ClinVar aggregate classification (germline): Uncertain significance (1 of 4 stars; one submission).

Submission:

Ambry Genetics
Classification: Uncertain significance. Last evaluated: 2024-12-07. Review status: criteria provided, single submitter. Criteria: Ambry Variant Classification Scheme 2023. Collection method: clinical testing. Allele origin: germline.
Comment: The p.L239I variant (also known as c.715C>A), located in coding exon 6 of the RINT1 gene, results from a C to A substitution at nucleotide position 715. The leucine at codon 239 is replaced by isoleucine, an amino acid with highly similar properties. This amino acid position is conserved. In addition, this alteration is predicted to be tolerated by in silico analysis. Based on the available evidence, the clinical significance of this variant remains unclear.